The following is an entry in ClinVar:

ClinVar aggregate classification (germline): Uncertain significance (1 of 4 stars; one submission).

Conditions:
Peroxisome biogenesis disorder 7A (Zellweger). Also called: Peroxisome biogenesis disorder 7A. Identifiers: Orphanet 912, MedGen C3888385, MONDO:0013938, OMIM 614872.
Peroxisome biogenesis disorder 7B (PBD7B). Identifiers: Orphanet 44, MedGen C3553951, MONDO:0013939, OMIM 614873.

Submission:

Labcorp Genetics (formerly Invitae), Labcorp
Classification: Uncertain significance for Peroxisome biogenesis disorder 7A (Zellweger); Peroxisome biogenesis disorder 7B. Last evaluated: 2022-02-09. Review status: criteria provided, single submitter. Criteria: Invitae Variant Classification Sherloc (09022015). Collection method: clinical testing. Allele origin: germline.
Comment: In summary, the available evidence is currently insufficient to determine the role of this variant in disease. Therefore, it has been classified as a Variant of Uncertain Significance. Algorithms developed to predict the effect of sequence changes on RNA splicing suggest that this variant may create or strengthen a splice site. Algorithms developed to predict the effect of missense changes on protein structure and function (SIFT, PolyPhen-2, Align-GVGD) all suggest that this variant is likely to be tolerated. This variant has not been reported in the literature in individuals affected with PEX26-related conditions. This variant is not present in population databases (gnomAD no frequency). This sequence change replaces leucine, which is neutral and non-polar, with valine, which is neutral and non-polar, at codon 286 of the PEX26 protein (p.Leu286Val).

NM_001127649.3(PEX26):c.856C>G (p.Leu286Val)

Gene: PEX26 (peroxisomal biogenesis factor 26; plus strand). Cytogenetic location: 22q11.21.
Variant type: single nucleotide variant.
Coding change: c.856C>G on transcript NM_001127649.3 (MANE Select); coding-DNA position 856, C replaced by G.
Protein change: p.Leu286Val; replaces leucine 286 with valine.
Molecular consequence: missense variant.
Genome position (GRCh38, 1-based): chr22:18,088,013, C>G. VCF-style: chr22-18088013-C-G. GRCh37 (hg19) VCF-style: chr22-18570779-C-G.
Other names: c.709C>G, p.Leu237Val (NM_001199319.2); c.856C>G, p.Leu286Val (NM_017929.6); short protein forms L237V, L286V.
Identifiers: ClinVar variation 2095323 (VCV002095323.3), dbSNP rs2517676460, ClinGen allele CA410269584.